The following is an entry in ClinVar:

NM_020822.3(KCNT1):c.2246A>G (p.Tyr749Cys)

Gene: KCNT1 (potassium sodium-activated channel subfamily T member 1; plus strand). Cytogenetic location: 9q34.3.
Variant type: single nucleotide variant.
Coding change: c.2246A>G on transcript NM_020822.3 (MANE Select); coding-DNA position 2246, A replaced by G.
Protein change: p.Tyr749Cys; replaces tyrosine 749 with cysteine.
Molecular consequence: missense variant.
Genome position (GRCh38, 1-based): chr9:135,775,312, A>G. VCF-style: chr9-135775312-A-G. GRCh37 (hg19) VCF-style: chr9-138667158-A-G.
Other names: c.2111A>G, p.Tyr704Cys (NM_001272003.2); short protein forms Y704C, Y749C.
Identifiers: ClinVar variation 2499302 (VCV002499302.1), dbSNP rs2491009468, ClinGen allele CA375512102.
Genomic context (GRCh38, chr9:135,775,312, plus strand): 5'-AGAGCAGACCCAGCCACCTCTGTGCAGCTGTGCTGAGGGCTCCTGTCTCCTGCCCCAGGT[A>G]TGTGAAGGGCTACCCTCCCAACTCGCCCTACATCGGCAGCTCCCCAACCCTGTGCCACCT-3'
Protein context (NP_065873.2, residues 739-759): SDDEGLSVVE[Tyr749Cys]VKGYPPNSPY

ClinVar aggregate classification (germline): Uncertain significance (1 of 4 stars; one submission).

Allele frequency attached by ClinVar (database versions not stated): gnomAD exomes below 0.00001.
gnomAD v4.1: 3 of 1,604,144 alleles (0.00019%); highest among the groups gnomAD compares: Non-Finnish European, 0.00026%; no homozygotes.

Submission:

GeneDx
Classification: Uncertain significance. Last evaluated: 2022-10-17. Review status: criteria provided, single submitter. Criteria: GeneDx Variant Classification Process June 2021. Collection method: clinical testing. Allele origin: germline. Affected: yes.
Comment: Not observed at significant frequency in large population cohorts (gnomAD); In silico analysis supports that this missense variant has a deleterious effect on protein structure/function; Has not been previously published as pathogenic or benign to our knowledge